The following is an entry in ClinVar:

ClinVar aggregate classification (germline): Benign (1 of 4 stars; one submission).

Allele frequency attached by ClinVar (database versions not stated): 1000 Genomes Project 30x 0.03841; 1000 Genomes Project 0.03874; TOPMed 0.05219.

Submission:

GeneDx
Classification: Benign. Last evaluated: 2018-06-14. Review status: criteria provided, single submitter. Criteria: GeneDx Variant Classification (06012015). Collection method: clinical testing. Allele origin: germline. Affected: yes.
Comment: This variant is considered likely benign or benign based on one or more of the following criteria: it is a conservative change, it occurs at a poorly conserved position in the protein, it is predicted to be benign by multiple in silico algorithms, and/or has population frequency not consistent with disease.

NM_017837.4(PIGV):c.1200+196C>A

Gene: PIGV (phosphatidylinositol glycan anchor biosynthesis class V; plus strand). Cytogenetic location: 1p36.11.
Variant type: single nucleotide variant.
Coding change: c.1200+196C>A on transcript NM_017837.4 (MANE Select); 196 bases into the intron after coding-DNA position 1200, C replaced by A.
Molecular consequence: intron variant.
Genome position (GRCh38, 1-based): chr1:26,795,430, C>A. VCF-style: chr1-26795430-C-A. GRCh37 (hg19) VCF-style: chr1-27121921-C-A.
Other names: c.1200+196C>A (NM_001374478.1, NM_001374480.1, NM_001374481.1 and 2 more transcripts); c.573+196C>A (NM_001374484.1, NM_001374485.1); c.79-2133C>A (NM_001374486.1); c.819+196C>A (NM_001374483.1).
Identifiers: ClinVar variation 667858 (VCV000667858.1), dbSNP rs115960004, ClinGen allele CA10967017.